The following is an entry in ClinVar:

NM_001372044.2(SHANK3):c.3069_3076dup (p.Lys1026fs)

Gene: SHANK3 (SH3 and multiple ankyrin repeat domains 3; plus strand). Cytogenetic location: 22q13.33.
Variant type: Duplication.
Coding change: c.3069_3076dup on transcript NM_001372044.2 (MANE Select); coding-DNA positions 3069 to 3076, 8 bases duplicated (GCGCCGCA; older notation c.3069_3076dupGCGCCGCA).
Protein change: p.Lys1026fs; shifts the reading frame from lysine 1026.
Molecular consequence: frameshift variant.
Genome position (GRCh38, 1-based): chr22:50,720,677-50,720,684, GCGCCGCA duplicated; duplicating any 8 consecutive bases within chr22:50,720,671-50,720,684 gives the same sequence; the c. name uses the placement nearest the transcript's 3' end. VCF-style (leftmost placement, unchanged base first): chr22-50720670-A-AGCCGCAGC. GRCh37 (hg19) VCF-style: chr22-51159098-A-AGCCGCAGC.
Other names: c.2844_2851dupGCGCCGCA (NM_033517.1); short protein forms K1026fs.
Identifiers: ClinVar variation 503848 (VCV000503848.2), dbSNP rs1555910034, ClinGen allele CA658799569.

ClinVar aggregate classification (germline): Pathogenic (1 of 4 stars; one submission).

Submission:

GeneDx
Classification: Pathogenic. Last evaluated: 2017-11-29. Review status: criteria provided, single submitter. Criteria: GeneDx Variant Classification (06012015). Collection method: clinical testing. Allele origin: germline. Affected: yes.
Comment: The c.2844_2851dupGCGCCGCA variant in the SHANK3 gene has not been reported previously as a pathogenic variant nor as a benign variant, to our knowledge. The c.2844_2851dupGCGCCGCA variant causes a frameshift starting with codon Lysine 951, changes this amino acid to a Serine residue, and creates a premature Stop codon at position 8 of the new reading frame, denoted p.Lys951SerfsX8. This variant is predicted to cause loss of normal protein function either through protein truncation or nonsense-mediated mRNA decay. The c.2844_2851dupGCGCCGCA variant is not observed in large population cohorts (Lek et al., 2016). We interpret c.2844_2851dupGCGCCGCA as a pathogenic variant.